The following is an entry in ClinVar:

NM_000516.7(GNAS):c.898A>T (p.Lys300Ter)

Gene: GNAS (GNAS complex locus; plus strand). Cytogenetic location: 20q13.32.
Variant type: single nucleotide variant.
Coding change: c.898A>T on transcript NM_000516.7 (MANE Select); coding-DNA position 898, A replaced by T.
Protein change: p.Lys300Ter; replaces lysine 300 with a stop codon.
Molecular consequence: nonsense. On other transcripts: 3 prime UTR variant (2).
Genome position (GRCh38, 1-based): chr20:58,910,009, A>T. VCF-style: chr20-58910009-A-T. GRCh37 (hg19) VCF-style: chr20-57485064-A-T.
Other names: c.901A>T, p.Lys301Ter (NM_001077488.5); c.853A>T, p.Lys285Ter (NM_001077489.4); c.*759A>T (NM_001077490.3); c.721A>T, p.Lys241Ter (NM_001309840.2, NM_001309861.2); c.*804A>T (NM_016592.5); c.2827A>T, p.Lys943Ter (NM_080425.4); c.856A>T, p.Lys286Ter (NM_080426.4); short protein forms K300*, K301*, K285*, K286*, K241*, K943*.
Identifiers: ClinVar variation 450479 (VCV000450479.2), dbSNP rs1555891743, ClinGen allele CA409453133.

ClinVar aggregate classification (germline): Pathogenic (1 of 4 stars; one submission).

Submission:

GeneDx
Classification: Pathogenic. Last evaluated: 2017-07-24. Review status: criteria provided, single submitter. Criteria: GeneDx Variant Classification (06012015). Collection method: clinical testing. Allele origin: germline. Affected: yes.
Comment: The K300X variant in the GNAS gene has not been reported previously as a pathogenic variant nor as a benign variant, to our knowledge. This variant is predicted to cause loss of normal protein function either through protein truncation or nonsense-mediated mRNA decay. The K300X variant is not observed in large population cohorts (Lek et al., 2016; 1000 Genomes Consortium et al., 2015; Exome Variant Server). We interpret K300X as a pathogenic variant.